The following is an entry in ClinVar:

NM_000548.5(TSC2):c.269A>G (p.Gln90Arg)

Gene: TSC2 (TSC complex subunit 2; plus strand). Cytogenetic location: 16p13.3.
Variant type: single nucleotide variant.
Coding change: c.269A>G on transcript NM_000548.5 (MANE Select); coding-DNA position 269, A replaced by G.
Protein change: p.Gln90Arg; replaces glutamine 90 with arginine.
Molecular consequence: missense variant. On other transcripts: 5 prime UTR variant (14), non-coding transcript variant (5), intron variant (9).
Genome position (GRCh38, 1-based): chr16:2,053,385, A>G. VCF-style: chr16-2053385-A-G. GRCh37 (hg19) VCF-style: chr16-2103386-A-G.
Other names: c.269A>G, p.Gln90Arg (NM_001077183.3, NM_001114382.3, NM_001363528.2 and 10 more transcripts); c.122A>G, p.Gln41Arg (NM_001318829.2, NM_001406675.1, NM_001406676.1 and 2 more transcripts); c.302A>G, p.Gln101Arg (NM_001318832.2); c.-548A>G (NM_001406680.1, NM_001406683.1, NM_001406687.1); c.-177A>G (NM_001406681.1); c.-1163A>G (NM_001406689.1, NM_001406690.1, NM_001406691.1 and 2 more transcripts); c.-1469A>G (NM_001406693.1); c.-1044A>G (NM_001406694.1, NM_001406695.1); and 4 more; short protein forms Q101R, Q90R, Q41R.
Identifiers: ClinVar variation 3462536 (VCV003462536.1).
Genomic context (GRCh38, chr16:2,053,385, plus strand): 5'-CCCTCTGCTGGTGACAGCACGCAGTGGAAGCACTCTGGAAGGCGGTCGCGGATCTGTTGC[A>G]GCCGGAGCGGCCGCTGGAGGCCCGGCACGCGGTGCTGGCTCTGCTGAAGGCCATCGTGCA-3'
Protein context (NP_000539.2, residues 80-100): ALWKAVADLL[Gln90Arg]PERPLEARHA

ClinVar aggregate classification (germline): Uncertain significance (1 of 4 stars; one submission).

Conditions:
Hereditary cancer-predisposing syndrome. Also called: Tumor predisposition; Neoplastic Syndromes, Hereditary; Hereditary neoplastic syndrome; Hereditary Cancer Syndrome. Identifiers: Orphanet 140162, MedGen C0027672, MeSH D009386, MONDO:0015356.

Submission:

Ambry Genetics
Classification: Uncertain significance for Hereditary cancer-predisposing syndrome. Last evaluated: 2024-08-19. Review status: criteria provided, single submitter. Criteria: Ambry Variant Classification Scheme 2023. Collection method: clinical testing. Allele origin: germline.
Comment: The p.Q90R variant (also known as c.269A>G), located in coding exon 3 of the TSC2 gene, results from an A to G substitution at nucleotide position 269. The glutamine at codon 90 is replaced by arginine, an amino acid with highly similar properties. This amino acid position is conserved. In addition, the in silico prediction for this alteration is inconclusive. Based on the available evidence, the clinical significance of this variant remains unclear.